The following is an entry in ClinVar:

ClinVar aggregate classification (germline): Uncertain significance (1 of 4 stars; one submission).

Conditions:
Hereditary cancer-predisposing syndrome. Also called: Hereditary Cancer Syndrome; Hereditary neoplastic syndrome; Neoplastic Syndromes, Hereditary; Tumor predisposition. Identifiers: Orphanet 140162, MedGen C0027672, MeSH D009386, MONDO:0015356.

Submission:

Ambry Genetics
Classification: Uncertain significance for Hereditary cancer-predisposing syndrome. Last evaluated: 2022-06-24. Review status: criteria provided, single submitter. Criteria: Ambry Variant Classification Scheme 2023. Collection method: clinical testing. Allele origin: germline.
Comment: The p.H150R variant (also known as c.449A>G), located in coding exon 4 of the EPCAM gene, results from an A to G substitution at nucleotide position 449. The histidine at codon 150 is replaced by arginine, an amino acid with highly similar properties. This amino acid position is conserved. In addition, the in silico prediction for this alteration is inconclusive. Since supporting evidence is limited at this time, the clinical significance of this alteration remains unclear.

NM_002354.3(EPCAM):c.449A>G (p.His150Arg)

Gene: EPCAM (epithelial cell adhesion molecule; plus strand). Cytogenetic location: 2p21.
Variant type: single nucleotide variant.
Coding change: c.449A>G on transcript NM_002354.3 (MANE Select); coding-DNA position 449, A replaced by G.
Protein change: p.His150Arg; replaces histidine 150 with arginine.
Molecular consequence: missense variant.
Genome position (GRCh38, 1-based): chr2:47,375,257, A>G. VCF-style: chr2-47375257-A-G. GRCh37 (hg19) VCF-style: chr2-47602396-A-G.
Other names: short protein forms H150R.
Identifiers: ClinVar variation 1741013 (VCV001741013.2), dbSNP rs2465460615, ClinGen allele CA346723579.
Genomic context (GRCh38, chr2:47,375,257, plus strand): 5'-AGTTATAGTCAACTGACATTGTCTTTTTACTTTATAGCTGGATCATCATTGAACTAAAAC[A>G]CAAAGCAAGAGAAAAACCTTATGATAGTAAAAGTTTGCGGACGTAAGTGCAATTAAATGC-3'
Protein context (NP_002345.2, residues 140-160): RTYWIIIELK[His150Arg]KAREKPYDSK